The following is an entry in ClinVar:

ClinVar aggregate classification (germline): Likely benign. Review status: criteria provided, multiple submitters, no conflicts (2 of 4 stars). 3 submissions from 3 submitters: Likely benign (2). 1 of the submissions does not count toward it. Last evaluated 2025-10-16.

Conditions:
SAMD11-related disorder. Also called: SAMD11-related condition.

Allele frequency attached by ClinVar (database versions not stated): gnomAD exomes 0.00002 and 0.00007; ExAC 0.00010; ESP Exome Variant Server 0.00023; gnomAD 0.00027 and 0.00031; TOPMed 0.00032.
gnomAD v4.1: 71 of 1,606,036 alleles (0.0044%); highest among the groups gnomAD compares: African/African-American, 0.09%; no homozygotes.

Submissions (3):

Labcorp Genetics (formerly Invitae), Labcorp
Classification: Likely benign. Last evaluated: 2025-10-16. Review status: criteria provided, single submitter. Criteria: Invitae Variant Classification Sherloc (09022015). Collection method: clinical testing. Allele origin: germline.

Blueprint Genetics
Classification: Likely benign. Last evaluated: 2022-08-26. Review status: criteria provided, single submitter. Criteria: ACMG Guidelines, 2015. Collection method: clinical testing. Allele origin: germline.

PreventionGenetics, part of Exact Sciences
Classification: Likely benign for SAMD11-related condition. Last evaluated: 2019-08-20. Review status: no assertion criteria provided. Collection method: clinical testing. Allele origin: germline. Not counted in ClinVar's aggregate classification.
Comment: This variant is classified as likely benign based on ACMG/AMP sequence variant interpretation guidelines (Richards et al. 2015 PMID: 25741868, with internal and published modifications).

NM_001385641.1(SAMD11):c.1005T>C (p.Arg335=)

Gene: SAMD11 (sterile alpha motif domain containing 11; plus strand). Cytogenetic location: 1p36.33.
Variant type: single nucleotide variant.
Coding change: c.1005T>C on transcript NM_001385641.1 (MANE Select); coding-DNA position 1005, T replaced by C.
Protein change: p.Arg335=; no amino-acid change (arginine 335 retained).
Molecular consequence: synonymous variant.
Genome position (GRCh38, 1-based): chr1:939,077, T>C. VCF-style: chr1-939077-T-C. GRCh37 (hg19) VCF-style: chr1-874457-T-C.
Other names: c.1005T>C, p.Arg335= (NM_001385640.1); c.468T>C, p.Arg156= (NM_152486.4); c.468T>C (NM_152486.2).
Identifiers: ClinVar variation 1085846 (VCV001085846.12), dbSNP rs144608636, ClinGen allele CA502639.